The following is an entry in ClinVar:

NM_001277115.2(DNAH11):c.5944G>A (p.Ala1982Thr)

Gene: DNAH11 (dynein axonemal heavy chain 11; plus strand). Cytogenetic location: 7p15.3.
Variant type: single nucleotide variant.
Coding change: c.5944G>A on transcript NM_001277115.2 (MANE Select); coding-DNA position 5944, G replaced by A.
Protein change: p.Ala1982Thr; replaces alanine 1982 with threonine.
Molecular consequence: missense variant.
Genome position (GRCh38, 1-based): chr7:21,690,784, G>A. VCF-style: chr7-21690784-G-A. GRCh37 (hg19) VCF-style: chr7-21730402-G-A.
Other names: c.5965G>A, p.Ala1989Thr (NM_003777.3); short protein forms A1982T, A1989T.
Identifiers: ClinVar variation 1750635 (VCV001750635.2), dbSNP rs2534929205, ClinGen allele CA366950420.

ClinVar aggregate classification (germline): Uncertain significance (1 of 4 stars; one submission).

Conditions:
Primary ciliary dyskinesia. Also called: Ciliary dyskinesia. Identifiers: Orphanet 244, MedGen C0008780, MONDO:0016575, HP:0012265.

Allele frequency attached by ClinVar (database versions not stated): gnomAD exomes below 0.00001.
gnomAD v4.1: 1 of 1,608,544 alleles (0.000062%); highest among the groups gnomAD compares: Non-Finnish European, 0.000085%; no homozygotes.

Submission:

Ambry Genetics
Classification: Uncertain significance for Primary ciliary dyskinesia. Last evaluated: 2017-05-15. Review status: criteria provided, single submitter. Criteria: Ambry Variant Classification Scheme 2023. Collection method: clinical testing. Allele origin: germline.
Comment: The p.A1982T variant (also known as c.5944G>A), located in coding exon 35 of the DNAH11 gene, results from a G to A substitution at nucleotide position 5944. The alanine at codon 1982 is replaced by threonine, an amino acid with similar properties. This amino acid position is poorly conserved in available vertebrate species. In addition, this alteration is predicted to be tolerated by SIFT in silico analysis. Since supporting evidence is limited at this time, the clinical significance of this alteration remains unclear.